The following is an entry in ClinVar:

ClinVar aggregate classification (germline): Likely benign. Review status: criteria provided, single submitter (1 of 4 stars). 2 submissions from 2 submitters: Likely benign (1). 1 of the submissions does not count toward it. Last evaluated 2025-07-09.

Conditions:
COLGALT1-related disorder. Also called: COLGALT1-related condition.

Allele frequency attached by ClinVar (database versions not stated): ExAC 0.00047.
gnomAD v4.1: 18 of 901,504 alleles (0.002%); highest among the groups gnomAD compares: South Asian, 0.054%; no homozygotes.

Submissions (2):

Labcorp Genetics (formerly Invitae), Labcorp
Classification: Likely benign. Last evaluated: 2025-07-09. Review status: criteria provided, single submitter. Criteria: Invitae Variant Classification Sherloc (09022015). Collection method: clinical testing. Allele origin: germline.

PreventionGenetics, part of Exact Sciences
Classification: Likely benign for COLGALT1-related condition. Last evaluated: 2024-01-29. Review status: no assertion criteria provided. Collection method: clinical testing. Allele origin: germline. Not counted in ClinVar's aggregate classification.
Comment: This variant is classified as likely benign based on ACMG/AMP sequence variant interpretation guidelines (Richards et al. 2015 PMID: 25741868, with internal and published modifications).

NM_024656.4(COLGALT1):c.1122C>G (p.Ala374=)

Gene: COLGALT1 (collagen beta(1-O)galactosyltransferase 1; plus strand). Cytogenetic location: 19p13.11.
Variant type: single nucleotide variant.
Coding change: c.1122C>G on transcript NM_024656.4 (MANE Select); coding-DNA position 1122, C replaced by G.
Protein change: p.Ala374=; no amino-acid change (alanine 374 retained).
Molecular consequence: synonymous variant.
Genome position (GRCh38, 1-based): chr19:17,577,456, C>G. VCF-style: chr19-17577456-C-G. GRCh37 (hg19) VCF-style: chr19-17688265-C-G.
Identifiers: ClinVar variation 3030279 (VCV003030279.3), dbSNP rs779994127, ClinGen allele CA9297165.
Genomic context (GRCh38, chr19:17,577,456, plus strand): 5'-GCGGGAGCGCATGCTGCGGGCGCTGCAGGCACAGGAGATCGAGTGCCGGCTGGTGGAGGC[C>G]GTGGACGGCAAGTGAGTCCGAGGCCTGGGGGTGGGGGGGCGGGTCCGCACGTGGATGTGG-3'
Protein context (NP_078932.2, residues 364-384): AQEIECRLVE[Ala374=]VDGKAMNTSQ